The following is an entry in ClinVar:

ClinVar aggregate classification (germline): Uncertain significance. Review status: criteria provided, multiple submitters, no conflicts (2 of 4 stars). 2 submissions from 2 submitters: Uncertain significance (2). Last evaluated 2023-08-11.

Conditions:
Inborn genetic diseases. Identifiers: MedGen C0950123, MeSH D030342.

Allele frequency attached by ClinVar (database versions not stated): gnomAD exomes below 0.00001 and 0.00002; ExAC 0.00001; TOPMed 0.00001; gnomAD 0.00002.
gnomAD v4.1: 36 of 1,613,428 alleles (0.0022%); highest among the groups gnomAD compares: Non-Finnish European, 0.003%; no homozygotes.

Submissions (2):

Ambry Genetics
Classification: Uncertain significance for Inborn genetic diseases. Last evaluated: 2023-08-11. Review status: criteria provided, single submitter. Criteria: Ambry Variant Classification Scheme 2023. Collection method: clinical testing. Allele origin: germline.
Comment: The p.A135G variant (also known as c.404C>G), located in coding exon 4 of the MDH2 gene, results from a C to G substitution at nucleotide position 404. The alanine at codon 135 is replaced by glycine, an amino acid with similar properties. This amino acid position is conserved. In addition, this alteration is predicted to be deleterious by in silico analysis. Since supporting evidence is limited at this time, the clinical significance of this alteration remains unclear.

Labcorp Genetics (formerly Invitae), Labcorp
Classification: Uncertain significance. Last evaluated: 2021-06-06. Review status: criteria provided, single submitter. Criteria: Invitae Variant Classification Sherloc (09022015). Collection method: clinical testing. Allele origin: germline.
Comment: In summary, the available evidence is currently insufficient to determine the role of this variant in disease. Therefore, it has been classified as a Variant of Uncertain Significance. Algorithms developed to predict the effect of missense changes on protein structure and function are either unavailable or do not agree on the potential impact of this missense change (SIFT: "Deleterious"; PolyPhen-2: "Probably Damaging"; Align-GVGD: "Class C0"). This variant has not been reported in the literature in individuals with MDH2-related conditions. This variant is present in population databases (rs782560214, ExAC 0.002%). This sequence change replaces alanine with glycine at codon 135 of the MDH2 protein (p.Ala135Gly). The alanine residue is highly conserved and there is a small physicochemical difference between alanine and glycine.

NM_005918.4(MDH2):c.404C>G (p.Ala135Gly)

Gene: MDH2 (malate dehydrogenase 2; plus strand). Cytogenetic location: 7q11.23.
Variant type: single nucleotide variant.
Coding change: c.404C>G on transcript NM_005918.4 (MANE Select); coding-DNA position 404, C replaced by G.
Protein change: p.Ala135Gly; replaces alanine 135 with glycine.
Molecular consequence: missense variant.
Genome position (GRCh38, 1-based): chr7:76,058,053, C>G. VCF-style: chr7-76058053-C-G. GRCh37 (hg19) VCF-style: chr7-75687371-C-G.
Other names: c.404C>G, p.Ala135Gly (NM_001282403.2); c.83C>G, p.Ala28Gly (NM_001282404.2); short protein forms A135G, A28G.
Identifiers: ClinVar variation 1490181 (VCV001490181.9), dbSNP rs782560214, ClinGen allele CA4305520.